The following is an entry in ClinVar:

NM_007118.4(TRIO):c.6968G>A (p.Gly2323Asp)

Gene: TRIO (trio Rho guanine nucleotide exchange factor; plus strand). Cytogenetic location: 5p15.2.
Variant type: single nucleotide variant.
Coding change: c.6968G>A on transcript NM_007118.4 (MANE Select); coding-DNA position 6968, G replaced by A.
Protein change: p.Gly2323Asp; replaces glycine 2323 with aspartic acid.
Molecular consequence: missense variant. On other transcripts: non-coding transcript variant (1).
Genome position (GRCh38, 1-based): chr5:14,487,596, G>A. VCF-style: chr5-14487596-G-A. GRCh37 (hg19) VCF-style: chr5-14487705-G-A.
Other names: p.Gly2323Asp; short protein forms G2323D.
Identifiers: ClinVar variation 2504620 (VCV002504620.2), dbSNP rs2477465076, ClinGen allele CA359236533.
Genomic context (GRCh38, chr5:14,487,596, plus strand): 5'-GCGGGGGTGGGGGCAGCGGCGGCGGCGGGGCCCCCAGTGGCGGCAGCGGCCACAGTGGCG[G>A]CCCCAGCAGCTGCGGCGGCGCCCCCAGCACGAGCAGGAGCCGGCCCTCCCGGATCCCCCA-3'
Protein context (NP_009049.2, residues 2313-2333): APSGGSGHSG[Gly2323Asp]PSSCGGAPST

ClinVar aggregate classification (germline): Uncertain significance (1 of 4 stars; one submission).

Conditions:
Intellectual developmental disorder, autosomal dominant 44, with microcephaly. Also called: TRIO-Related Intellectual Disability; Micrognathia-recurrent infections-behavioral abnormalities-mild intellectual disability syndrome. Identifiers: Orphanet 476126, MedGen C4310740, MONDO:0014892, OMIM 617061.

Allele frequency attached by ClinVar (database versions not stated): gnomAD exomes below 0.00001.
gnomAD v4.1: 1 of 1,160,592 alleles (0.000086%); highest among the groups gnomAD compares: South Asian, 0.0041%; no homozygotes.

Submission:

Foundation for Research in Genetics and Endocrinology, FRIGE's Institute of Human Genetics
Classification: Uncertain significance for Intellectual developmental disorder, autosomal dominant 44, with microcephaly. Last evaluated: 2023-06-10. Review status: criteria provided, single submitter. Criteria: ACMG Guidelines, 2015. Collection method: clinical testing. Allele origin: germline. Inheritance: Autosomal dominant inheritance. Affected: yes. Observed: 1 heterozygote.
Comment: A heterozygous missense variant in exon 48 of the TRIO gene that results in the amino acid substitution of Aspartic acid for Glycine at codon 2323 (p.Gly2323Asp) was detected. The p.Gly2323Asp variant has not been reported in the 1000 genomes, gnomAD (v3.1), gnomdAD (v2) and topmed databases respectively. The in silico predictions of the variant are benign by PolyPhen-2 (HumDiv), SIFT, LRT and Mutation Taster2. The reference codon is conserved across species. In summary, the variant meets our criteria to be classified as a variant of uncertain significance.